The following is an entry in ClinVar:

NM_020964.3(EPG5):c.4258G>A (p.Asp1420Asn)

Gene: EPG5 (ectopic P-granules 5 autophagy tethering factor; minus strand). Cytogenetic location: 18q21.1.
Variant type: single nucleotide variant.
Coding change: c.4258G>A on transcript NM_020964.3 (MANE Select); coding-DNA position 4258, G replaced by A.
Protein change: p.Asp1420Asn; replaces aspartic acid 1420 with asparagine.
Molecular consequence: missense variant.
Genome position (GRCh38, 1-based): chr18:45,908,029, C>T on the plus strand (G>A on the coding strand, the complement: EPG5 is on the minus strand). VCF-style: chr18-45908029-C-T. GRCh37 (hg19) VCF-style: chr18-43487994-C-T.
Other names: short protein forms D1420N.
Identifiers: ClinVar variation 942112 (VCV000942112.10), dbSNP rs377196959, ClinGen allele CA8948926.

ClinVar aggregate classification (germline): Conflicting classifications of pathogenicity. Review status: criteria provided, conflicting classifications (1 of 4 stars). 3 submissions from 3 submitters: Uncertain significance (1); Likely benign (2). Last evaluated 2026-06-08.

Conditions:
Vici syndrome (VICIS). Identifiers: Orphanet 1493, MedGen C1855772, MONDO:0009452, OMIM 242840.
EPG5-related disorder. Also called: EPG5-related condition. Identifiers: MedGen CN381528.

Allele frequency attached by ClinVar (database versions not stated): ExAC 0.00005; gnomAD exomes 0.00005; gnomAD 0.00026 and 0.00029; TOPMed 0.00039; ESP Exome Variant Server 0.00042.

Submissions (3):

PreventionGenetics, part of Exact Sciences
Classification: Uncertain significance for EPG5-related condition. Last evaluated: 2026-06-08. Review status: criteria provided, single submitter. Criteria: ACMG Guidelines, 2015. Collection method: clinical testing. Allele origin: germline.
Comment: The EPG5 c.4258G>A variant is predicted to result in the amino acid substitution p.Asp1420Asn. To our knowledge, this variant has not been reported in the literature. This variant is reported in 0.064% of alleles in individuals of African descent in gnomAD. Although we suspect that this variant may be benign, at this time, the clinical significance of this variant is uncertain due to the absence of conclusive functional and genetic evidence.

Labcorp Genetics (formerly Invitae), Labcorp
Classification: Likely benign for Vici syndrome. Last evaluated: 2025-12-05. Review status: criteria provided, single submitter. Criteria: Invitae Variant Classification Sherloc (09022015). Collection method: clinical testing. Allele origin: germline.

Blueprint Genetics
Classification: Likely benign. Last evaluated: 2024-10-18. Review status: criteria provided, single submitter. Criteria: ACMG Guidelines, 2015. Collection method: clinical testing. Allele origin: germline.